The following is an entry in ClinVar:

NM_004667.6(HERC2):c.6440T>C (p.Val2147Ala)

Gene: HERC2 (HECT and RLD domain containing E3 ubiquitin protein ligase 2; minus strand). Cytogenetic location: 15q13.1.
Variant type: single nucleotide variant.
Coding change: c.6440T>C on transcript NM_004667.6 (MANE Select); coding-DNA position 6440, T replaced by C.
Protein change: p.Val2147Ala; replaces valine 2147 with alanine.
Molecular consequence: missense variant.
Genome position (GRCh38, 1-based): chr15:28,214,191, A>G on the plus strand (T>C on the coding strand, the complement: HERC2 is on the minus strand). VCF-style: chr15-28214191-A-G. GRCh37 (hg19) VCF-style: chr15-28459337-A-G.
Other names: short protein forms V2147A.
Identifiers: ClinVar variation 3364244 (VCV003364244.1).

ClinVar aggregate classification (germline): Uncertain significance (1 of 4 stars; one submission).

Submission:

GeneDx
Classification: Uncertain significance. Last evaluated: 2023-11-16. Review status: criteria provided, single submitter. Criteria: GeneDx Variant Classification Process June 2021. Collection method: clinical testing. Allele origin: germline. Affected: yes.
Comment: Not observed at significant frequency in large population cohorts (gnomAD); In silico analysis supports that this missense variant has a deleterious effect on protein structure/function; Has not been previously published as pathogenic or benign to our knowledge